The following is an entry in ClinVar:

ClinVar aggregate classification (germline): Likely benign. Review status: criteria provided, single submitter (1 of 4 stars). 2 submissions from 2 submitters: Likely benign (1). 1 of the submissions does not count toward it. Last evaluated 2022-12-01.

Conditions:
Inborn genetic diseases. Identifiers: MedGen C0950123, MeSH D030342.
MACF1-related disorder. Also called: MACF1-related condition.

Allele frequency attached by ClinVar (database versions not stated): TOPMed 0.00009; gnomAD 0.00011; ExAC 0.00013; gnomAD exomes 0.00015; 1000 Genomes Project 30x 0.00016; 1000 Genomes Project 0.00020.
gnomAD v4.1: 244 of 1,613,844 alleles (0.015%); highest among the groups gnomAD compares: East Asian, 0.071%; 1 homozygote.

Submissions (2):

Ambry Genetics
Classification: Likely benign for Inborn genetic diseases. Last evaluated: 2022-12-01. Review status: criteria provided, single submitter. Criteria: Ambry Variant Classification Scheme 2023. Collection method: clinical testing. Allele origin: germline.

PreventionGenetics, part of Exact Sciences
Classification: Likely benign for MACF1-related condition. Last evaluated: 2023-01-03. Review status: no assertion criteria provided. Collection method: clinical testing. Allele origin: germline. Not counted in ClinVar's aggregate classification.
Comment: This variant is classified as likely benign based on ACMG/AMP sequence variant interpretation guidelines (Richards et al. 2015 PMID: 25741868, with internal and published modifications).

NM_001394062.1(MACF1):c.22457G>A (p.Arg7486Gln)

Gene: MACF1 (microtubule actin crosslinking factor 1; plus strand). Cytogenetic location: 1p34.3.
Variant type: single nucleotide variant.
Coding change: c.22457G>A on transcript NM_001394062.1 (MANE Select); coding-DNA position 22457, G replaced by A.
Protein change: p.Arg7486Gln; replaces arginine 7486 with glutamine.
Molecular consequence: missense variant.
Genome position (GRCh38, 1-based): chr1:39,485,583, G>A. VCF-style: chr1-39485583-G-A. GRCh37 (hg19) VCF-style: chr1-39951255-G-A.
Other names: c.10337G>A, p.Arg3446Gln (NM_001397473.1); c.16082G>A, p.Arg5361Gln (NM_012090.5); short protein forms R5361Q, R3446Q, R7486Q.
Identifiers: ClinVar variation 2348585 (VCV002348585.4), dbSNP rs554832714, ClinGen allele CA784929.